The following is an entry in ClinVar:

ClinVar aggregate classification (germline): Uncertain significance (1 of 4 stars; one submission).

Submission:

Ambry Genetics
Classification: Uncertain significance. Last evaluated: 2022-05-14. Review status: criteria provided, single submitter. Criteria: Ambry Variant Classification Scheme 2023. Collection method: clinical testing. Allele origin: germline.
Comment: The p.K1489R variant (also known as c.4466A>G), located in coding exon 35 of the PRKDC gene, results from an A to G substitution at nucleotide position 4466. The lysine at codon 1489 is replaced by arginine, an amino acid with highly similar properties. This amino acid position is conserved. Since supporting evidence is limited at this time, the clinical significance of this alteration remains unclear.

NM_006904.7(PRKDC):c.4466A>G (p.Lys1489Arg)

Gene: PRKDC (protein kinase, DNA-activated, catalytic subunit; minus strand). Cytogenetic location: 8q11.21.
Variant type: single nucleotide variant.
Coding change: c.4466A>G on transcript NM_006904.7 (MANE Select); coding-DNA position 4466, A replaced by G.
Protein change: p.Lys1489Arg; replaces lysine 1489 with arginine.
Molecular consequence: missense variant.
Genome position (GRCh38, 1-based): chr8:47,887,653, T>C on the plus strand (A>G on the coding strand, the complement: PRKDC is on the minus strand). VCF-style: chr8-47887653-T-C. GRCh37 (hg19) VCF-style: chr8-48800214-T-C.
Other names: c.4466A>G, p.Lys1489Arg (NM_001081640.2); short protein forms K1489R.
Identifiers: ClinVar variation 1740792 (VCV001740792.2), dbSNP rs2551873387, ClinGen allele CA371144044.